The following is an entry in ClinVar:

NM_000368.5(TSC1):c.2453A>G (p.Asn818Ser)

Gene: TSC1 (TSC complex subunit 1; minus strand). Cytogenetic location: 9q34.13.
Variant type: single nucleotide variant.
Coding change: c.2453A>G on transcript NM_000368.5 (MANE Select); coding-DNA position 2453, A replaced by G.
Protein change: p.Asn818Ser; replaces asparagine 818 with serine.
Molecular consequence: missense variant. On other transcripts: non-coding transcript variant (5).
Genome position (GRCh38, 1-based): chr9:132,901,638, T>C on the plus strand (A>G on the coding strand, the complement: TSC1 is on the minus strand). VCF-style: chr9-132901638-T-C. GRCh37 (hg19) VCF-style: chr9-135777025-T-C.
Other names: c.2090A>G, p.Asn697Ser (NM_001406616.1, NM_001406617.1, NM_001406618.1 and 5 more transcripts); c.2087A>G, p.Asn696Ser (NM_001406620.1, NM_001406621.1, NM_001406622.1 and 2 more transcripts); c.1502A>G, p.Asn501Ser (NM_001406626.1); c.1499A>G, p.Asn500Ser (NM_001406627.1, NM_001406628.1); c.1400A>G, p.Asn467Ser (NM_001406629.1, NM_001406630.1); c.2450A>G, p.Asn817Ser (NM_001406597.1, NM_001406598.1, NM_001406599.1 and 4 more transcripts); c.2438A>G, p.Asn813Ser (NM_001406601.1, NM_001406602.1); c.2435A>G, p.Asn812Ser (NM_001406603.1, NM_001406604.1); and 3 more; short protein forms N500S, N813S, N696S, N767S, N467S, N697S, N818S, N501S.
Identifiers: ClinVar variation 3669855 (VCV003669855.4).

ClinVar aggregate classification (germline): Conflicting classifications of pathogenicity. Review status: criteria provided, conflicting classifications (1 of 4 stars). 2 submissions from 2 submitters: Uncertain significance (1); Likely benign (1). Last evaluated 2026-07-13.

Conditions:
Tuberous sclerosis 1 (TSC1). Identifiers: Orphanet 805, MedGen C1854465, MONDO:0008612, OMIM 191100.
Hereditary cancer-predisposing syndrome. Also called: Tumor predisposition; Hereditary neoplastic syndrome; Hereditary Cancer Syndrome; Neoplastic Syndromes, Hereditary. Identifiers: Orphanet 140162, MedGen C0027672, MeSH D009386, MONDO:0015356.

gnomAD v4.1: 2 of 1,614,192 alleles (0.00012%); highest among the groups gnomAD compares: Admixed American, 0.0017%; no homozygotes.

Submissions (2):

Ambry Genetics
Classification: Likely benign for Hereditary cancer-predisposing syndrome. Last evaluated: 2026-07-13. Review status: criteria provided, single submitter. Criteria: Ambry Variant Classification Scheme 2023. Collection method: clinical testing. Allele origin: germline.

Labcorp Genetics (formerly Invitae), Labcorp
Classification: Uncertain significance for Tuberous sclerosis 1. Last evaluated: 2024-09-17. Review status: criteria provided, single submitter. Criteria: Invitae Variant Classification Sherloc (09022015). Collection method: clinical testing. Allele origin: germline.
Comment: This sequence change replaces asparagine, which is neutral and polar, with serine, which is neutral and polar, at codon 818 of the TSC1 protein (p.Asn818Ser). This variant is not present in population databases (gnomAD no frequency). This variant has not been reported in the literature in individuals affected with TSC1-related conditions. Invitae Evidence Modeling of protein sequence and biophysical properties (such as structural, functional, and spatial information, amino acid conservation, physicochemical variation, residue mobility, and thermodynamic stability) indicates that this missense variant is not expected to disrupt TSC1 protein function with a negative predictive value of 95%. In summary, the available evidence is currently insufficient to determine the role of this variant in disease. Therefore, it has been classified as a Variant of Uncertain Significance.